The following is an entry in ClinVar:

NM_033380.3(COL4A5):c.228A>T (p.Gln76His)

Gene: COL4A5 (collagen type IV alpha 5 chain; plus strand). Cytogenetic location: Xq22.3.
Variant type: single nucleotide variant.
Coding change: c.228A>T on transcript NM_033380.3 (MANE Select); coding-DNA position 228, A replaced by T.
Protein change: p.Gln76His; replaces glutamine 76 with histidine.
Molecular consequence: missense variant.
Genome position (GRCh38, 1-based): chrX:108,559,150, A>T. VCF-style: chrX-108559150-A-T. GRCh37 (hg19) VCF-style: chrX-107802380-A-T.
Other names: c.228A>T, p.Gln76His (NM_000495.5); short protein forms Q76H.
Identifiers: ClinVar variation 1299530 (VCV001299530.1), dbSNP rs2147722497, ClinGen allele CA413914933.
Genomic context (GRCh38, chrX:108,559,150, plus strand): 5'-AGGACACCCAGGATTGCCTGGATTTCCAGGTCCAGAAGGGCCTCCGGGGCCTCGGGGACA[A>T]AAGGTATGTATCATGTTGCCAACCAGTAATGCCAGATGAATTAAGTCATCTTAAATGTGG-3'
Protein context (NP_203699.1, residues 66-86): GPEGPPGPRG[Gln76His]KGDDGIPGPP

ClinVar aggregate classification (germline): Likely pathogenic (1 of 4 stars; one submission).

Conditions:
X-linked Alport syndrome (ATS1). Also called: NEPHROPATHY AND DEAFNESS, X-LINKED; COL4A5-Related Nephropathy. Identifiers: Orphanet 63, Orphanet 88917, MedGen C4746986, MONDO:0010520, OMIM 301050.

Submission:

Laboratory of Medical Genetics, National & Kapodistrian University of Athens
Classification: Likely pathogenic for X-linked Alport syndrome. Last evaluated: 2021-08-10. Review status: criteria provided, single submitter. Criteria: ACMG Guidelines, 2015. Collection method: clinical testing. Allele origin: unknown. Affected: yes.
Comment: PM1, PM2, PM5, PP2, PP3

Literature cited by the submitters: PubMed 34008892.